The following continues an entry in ClinVar:

NM_024675.4(PALB2):c.2612A>G (p.Asp871Gly)

Gene: PALB2. ClinVar aggregate classification (germline): Uncertain significance. Uncertain significance (11).

Submissions 9 to 14 of 14:

GeneDx
Classification: Uncertain significance. Last evaluated: 2022-06-08. Review status: criteria provided, single submitter. Criteria: GeneDx Variant Classification Process June 2021. Collection method: clinical testing. Allele origin: germline. Affected: yes.
Comment: Not observed at significant frequency in large population cohorts (gnomAD); In silico analysis supports that this missense variant has a deleterious effect on protein structure/function; In silico analysis supports a deleterious effect on splicing; Observed in individuals with breast and/or ovarian cancer (Catucci 2012, Couch 2015); Published functional studies demonstrate homology-directed repair (HDR) activity, protein stability, and maintenance of the G2/M checkpoint similar to wild type (Boonen 2019, Wiltshire 2020); This variant is associated with the following publications: (PMID: 25452441, 22692731, 19609323, 20871615, 24485656, 31757951, 31636395)

Sema4
Classification: Uncertain significance for Hereditary cancer-predisposing syndrome. Last evaluated: 2021-11-15. Review status: criteria provided, single submitter. Criteria: Sema4 Curation Guidelines. Collection method: curation. Allele origin: germline.
Comment: The PALB2 c.2612A>G (p.D871G) variant has been reported in individuals with breast cancer, colorectal cancer, and pancreatic cancer (PMID: 25452441, 22692731, 32885271, 32658311, 33980423, 34371384). Additionally, a large case-control study observed the variant in 2/60466 breast cancer cases and in 3/53461 controls (PMID: 33471991). It was observed in 2/30616 chromosomes of the South Asian subpopulation in the large and broad cohorts of the Genome Aggregation Database (PMID: 32461654). The variant has been reported in ClinVar (Variation ID 126670). In silico tools suggest the impact of the variant on protein function is inconclusive. Functional studies demonstrated the normal function of the protein (PMID: 31636395, 31757951). The evidence is insufficient to meet ACMG/AMP criteria for classifying the variant as benign or pathogenic. Thus, the clinical significance of this variant is currently uncertain.

Fulgent Genetics
Classification: Uncertain significance for Familial cancer of breast; Fanconi anemia complementation group N; Pancreatic cancer, susceptibility to, 3. Last evaluated: 2021-07-02. Review status: criteria provided, single submitter. Criteria: ACMG Guidelines, 2015. Collection method: clinical testing. Allele origin: unknown.

Leiden Open Variation Database
Classification: Uncertain significance for Familial cancer of breast. Last evaluated: 2019-05-13. Review status: no assertion criteria provided. Collection method: curation. Allele origin: germline. Affected: yes. Not counted in ClinVar's aggregate classification.
Comment: Curators: Marc Tischkowitz, Arleen D. Auerbach. Submitter to LOVD: Marc Tischkowitz.

Counsyl
Classification: Uncertain significance for Familial cancer of breast. Last evaluated: 2017-05-09. Review status: no assertion criteria provided. Collection method: clinical testing. Allele origin: unknown. Not counted in ClinVar's aggregate classification.

Department of Pathology and Laboratory Medicine, Sinai Health System
Classification: Uncertain significance for Malignant tumor of breast. Review status: no assertion criteria provided. Collection method: clinical testing. Allele origin: unknown. Affected: yes. Study: The Canadian Open Genetics Repository (COGR). Not counted in ClinVar's aggregate classification.
Comment: The PALB2 p.Asp871Gly variant was identified in 2 of 3840 proband chromosomes (frequency: 0.0005) from individuals or families with breast cancer and was not identified in 226 control chromosomes from healthy individuals (Catucci 2012, Couch 2015). The variant was also identified in dbSNP (ID: rs515726090), ClinVar (classified as uncertain significance by Invitae, PALB2 database), Clinvitae (classified as uncertain significance by Invitae), LOVD 3.0 (2X), databases. The variant was not identified in Cosmic, MutDB, or Zhejiang Colon Cancer Databases. The variant was identified in control databases in 4 of 246266 chromosomes at a frequency of 0.000016 (Genome Aggregation Database Feb 27, 2017). It was observed in the following populations: European Non-Finnish in 2 of 111718 chromosomes (freq: 0.000018), and SouthAsian in 2 of 30782 chromosomes (freq: 0.000065); it was not observed in the African, â€šÃ„ÃºOtherâ€šÃ„Ã¹, Latino, AshkenaziJewish, EastAsian, EuropeanFinnish, populations. The p.Asp871 residue is conserved across mammals and other organisms, and computational analyses (PolyPhen-2, SIFT, AlignGVGD, BLOSUM, MutationTaster) suggest that the variant may impact the protein; however, this information is not predictive enough to assume pathogenicity. The variant occurs outside of the splicing consensus sequence and 5 of 5 in silico or computational prediction software programs (SpliceSiteFinder, MaxEntScan, NNSPLICE, GeneSplicer, HumanSpliceFinder) predict a greater than 10% difference in splicing. However, this information is not predictive enough to assume pathogenicity. In summary, based on the above information, the clinical significance of this variant cannot be determined with certainty at this time. This variant is classified as a variant of uncertain significance.

Literature cited by the submitters: PubMed 22692731 (cited by 7 submitters); PubMed 25452441 (cited by 7 submitters); PubMed 32658311 (cited by 3 submitters); PubMed 32885271 (cited by 4 submitters); PubMed 33980423 (cited by 4 submitters); PubMed 34371384 (cited by 4 submitters); PubMed 31636395 (cited by 5 submitters); PubMed 31757951 (cited by 5 submitters); PubMed 33471991 (cited by 3 submitters); PubMed 37865086 (cited by Quest Diagnostics Nichols Institute San Juan Capistrano).